The following is an entry in ClinVar:

NM_001127453.2(GSDME):c.698-3C>A

Gene: GSDME (gasdermin E; minus strand). Cytogenetic location: 7p15.3.
Variant type: single nucleotide variant.
Coding change: c.698-3C>A on transcript NM_001127453.2 (MANE Select); 3 bases into the intron before coding-DNA position 698, C replaced by A.
Molecular consequence: intron variant.
Genome position (GRCh38, 1-based): chr7:24,710,391, G>T on the plus strand (C>A on the coding strand, the complement: GSDME is on the minus strand). VCF-style: chr7-24710391-G-T. GRCh37 (hg19) VCF-style: chr7-24750010-G-T.
Other names: c.206-3C>A (NM_001127454.2); c.698-3C>A (NM_004403.3).
Identifiers: ClinVar variation 2037567 (VCV002037567.4), dbSNP rs755640329, ClinGen allele CA2580076958.

ClinVar aggregate classification (germline): Uncertain significance (1 of 4 stars; one submission).

gnomAD v4.1: 2 of 1,614,156 alleles (0.00012%); highest among the groups gnomAD compares: Middle Eastern, 0.016%; no homozygotes.

Submission:

Labcorp Genetics (formerly Invitae), Labcorp
Classification: Uncertain significance. Last evaluated: 2022-09-26. Review status: criteria provided, single submitter. Criteria: Invitae Variant Classification Sherloc (09022015). Collection method: clinical testing. Allele origin: germline.
Comment: This sequence change falls in intron 5 of the DFNA5 gene. It does not directly change the encoded amino acid sequence of the DFNA5 protein. It affects a nucleotide within the consensus splice site. This variant is not present in population databases (gnomAD no frequency). This variant has not been reported in the literature in individuals affected with DFNA5-related conditions. Variants that disrupt the consensus splice site are a relatively common cause of aberrant splicing (PMID: 17576681, 9536098). Algorithms developed to predict the effect of sequence changes on RNA splicing suggest that this variant is not likely to affect RNA splicing. In summary, the available evidence is currently insufficient to determine the role of this variant in disease. Therefore, it has been classified as a Variant of Uncertain Significance.

Literature cited by the submitters: PubMed 17576681; PubMed 9536098.